The following is an entry in ClinVar:

ClinVar aggregate classification (germline): Benign. Review status: criteria provided, multiple submitters, no conflicts (2 of 4 stars). 2 submissions from 2 submitters: Benign (2). Last evaluated 2020-04-27.

Allele frequency attached by ClinVar (database versions not stated): ESP Exome Variant Server 0.00477; gnomAD 0.00949 and 0.00997; TOPMed 0.01164; ExAC 0.01562; 1000 Genomes Project 0.01757; 1000 Genomes Project 30x 0.02030.
gnomAD v4.1: 15,012 of 1,614,070 alleles (0.93%); highest among the groups gnomAD compares: Admixed American, 6.7%; 308 homozygotes.

Submissions (2):

GeneDx
Classification: Benign. Last evaluated: 2020-04-27. Review status: criteria provided, single submitter. Criteria: GeneDx Variant Classification Process June 2021. Collection method: clinical testing. Allele origin: germline. Affected: yes.
Comment: This variant is associated with the following publications: (PMID: 29884787)

Breakthrough Genomics
Classification: Benign. Review status: criteria provided, single submitter. Criteria: ACMG Guidelines, 2015. Collection method: not provided. Allele origin: germline. Inheritance: Unknown mechanism. Affected: yes.

NM_001828.6(CLC):c.195C>G (p.Asn65Lys)

Gene: CLC (Charcot-Leyden crystal galectin; minus strand). Cytogenetic location: 19q13.2.
Variant type: single nucleotide variant.
Coding change: c.195C>G on transcript NM_001828.6 (MANE Select); coding-DNA position 195, C replaced by G.
Protein change: p.Asn65Lys; replaces asparagine 65 with lysine.
Molecular consequence: missense variant.
Genome position (GRCh38, 1-based): chr19:39,734,391, G>C on the plus strand (C>G on the coding strand, the complement: CLC is on the minus strand). VCF-style: chr19-39734391-G-C. GRCh37 (hg19) VCF-style: chr19-40225031-G-C.
Other names: short protein forms N65K.
Identifiers: ClinVar variation 1237360 (VCV001237360.4), dbSNP rs146776010, ClinGen allele CA9433741.